The following is an entry in ClinVar:

ClinVar aggregate classification (germline): Likely benign (1 of 4 stars; one submission).

Allele frequency attached by ClinVar (database versions not stated): 1000 Genomes Project 0.00060; 1000 Genomes Project 30x 0.00062; TOPMed 0.00119; ESP Exome Variant Server 0.00177; gnomAD 0.00203; ExAC 0.00216; gnomAD exomes 0.00235.

Submission:

CeGaT Center for Human Genetics Tuebingen
Classification: Likely benign. Last evaluated: 2023-03-01. Review status: criteria provided, single submitter. Criteria: CeGaT Center For Human Genetics Tuebingen Variant Classification Criteria Version 2. Collection method: clinical testing. Allele origin: germline. Affected: yes. Observed: 1 variant allele.
Comment: MFHAS1: BP4, BP7

NM_004225.3(MFHAS1):c.927C>T (p.Thr309=)

Gene: MFHAS1 (multifunctional ROCO family signaling regulator 1). Cytogenetic location: 8p23.1.
Variant type: single nucleotide variant.
Coding change: c.927C>T on transcript NM_004225.3 (MANE Select); coding-DNA position 927, C replaced by T.
Protein change: p.Thr309=; no amino-acid change (threonine 309 retained).
Molecular consequence: synonymous variant.
Genome position (GRCh38, 1-based): chr8:8,892,132, G>A on the plus strand (C>T on the coding strand, the complement: MFHAS1 is on the minus strand). VCF-style: chr8-8892132-G-A. GRCh37 (hg19) VCF-style: chr8-8749642-G-A.
Identifiers: ClinVar variation 2658379 (VCV002658379.24), dbSNP rs117502579, ClinGen allele CA4619388.